The following is an entry in ClinVar:

NM_005989.4(AKR1D1):c.175C>T (p.Gln59Ter)

Gene: AKR1D1 (aldo-keto reductase family 1 member D1; plus strand). Cytogenetic location: 7q33.
Variant type: single nucleotide variant.
Coding change: c.175C>T on transcript NM_005989.4 (MANE Select); coding-DNA position 175, C replaced by T.
Protein change: p.Gln59Ter; replaces glutamine 59 with a stop codon.
Molecular consequence: nonsense.
Genome position (GRCh38, 1-based): chr7:138,088,682, C>T. VCF-style: chr7-138088682-C-T. GRCh37 (hg19) VCF-style: chr7-137773428-C-T.
Other names: c.175C>T, p.Gln59Ter (NM_001190906.2, NM_001190907.2); short protein forms Q59*.
Identifiers: ClinVar variation 4983595 (VCV004983595.1).

ClinVar aggregate classification (germline): Likely pathogenic (1 of 4 stars; one submission).

Conditions:
AKR1D1-related disorder. Also called: AKR1D1-related condition.

gnomAD v4.1: 1 of 1,613,958 alleles (0.000062%); highest among the groups gnomAD compares: Non-Finnish European, 0.000085%; no homozygotes.

Submission:

PreventionGenetics, part of Exact Sciences
Classification: Likely pathogenic for AKR1D1-related condition. Last evaluated: 2024-10-25. Review status: criteria provided, single submitter. Criteria: ACMG Guidelines, 2015. Collection method: clinical testing. Allele origin: germline.
Comment: The AKR1D1 c.175C>T variant is predicted to result in premature protein termination (p.Gln59*). To our knowledge, this variant has not been reported in the literature. This variant is reported in 0.00088% of alleles in individuals of European (Non-Finnish) descent in gnomAD. Nonsense variants in AKR1D1 are expected to be pathogenic. This variant is interpreted as likely pathogenic.